The following is an entry in ClinVar:

ClinVar aggregate classification (germline): Uncertain significance (1 of 4 stars; one submission).

Submission:

Women's Health and Genetics/Laboratory Corporation of America, LabCorp
Classification: Uncertain significance. Last evaluated: 2022-10-12. Review status: criteria provided, single submitter. Criteria: LabCorp Variant Classification Summary - May 2015. Collection method: clinical testing. Allele origin: germline.
Comment: Variant summary: GFAP c.1127+2T>A is located in a canonical splice-site and is predicted to affect mRNA splicing resulting in a significantly altered protein due to either exon skipping, shortening, or inclusion of intronic material. Several computational tools predict a significant impact on normal splicing: Four predict the variant abolishes a 5' splicing donor site. However, these predictions have yet to be confirmed by functional studies. The variant was absent in 251394 control chromosomes. The available data on variant occurrences in the general population are insufficient to allow any conclusion about variant significance. To our knowledge, no occurrence of c.1127+2T>A in individuals affected with Alexander Disease and no experimental evidence demonstrating its impact on protein function have been reported. No clinical diagnostic laboratories have submitted clinical-significance assessments for this variant to ClinVar after 2014. Based on the evidence outlined above, the variant was classified as uncertain significance.

NM_002055.5(GFAP):c.1127+2T>A

Genes: GFAP (glial fibrillary acidic protein; minus strand), LOC130060994 (ATAC-STARR-seq lymphoblastoid active region 12266; plus strand). Cytogenetic location: 17q21.31.
Variant type: single nucleotide variant.
Coding change: c.1127+2T>A on transcript NM_002055.5 (MANE Select); the canonical splice donor site of the intron after coding-DNA position 1127, T replaced by A.
Molecular consequence: splice donor variant.
Genome position (GRCh38, 1-based): chr17:44,911,234, A>T on the plus strand (T>A on the coding strand, the complement: GFAP is on the minus strand). VCF-style: chr17-44911234-A-T. GRCh37 (hg19) VCF-style: chr17-42988602-A-T.
Other names: c.1127+2T>A (NM_001363846.2, NM_001131019.3, NM_001242376.3).
Identifiers: ClinVar variation 1723298 (VCV001723298.1), dbSNP rs111854250, ClinGen allele CA291028362.